The following is an entry in ClinVar:

ClinVar aggregate classification (germline): other (0 of 4 stars; one submission).

Conditions:
Familial colorectal cancer. Identifiers: MedGen CN280943, MONDO:0023113. Disease mechanism: loss of function.

Allele frequency attached by ClinVar (database versions not stated): TOPMed 0.00001; gnomAD 0.00001.
gnomAD v4.1: 1 of 152,126 alleles (0.00066%); highest among the groups gnomAD compares: Non-Finnish European, 0.0015%; no homozygotes.

Submission:

Systems Biology Platform Zhejiang California International NanoSystems Institute
Classification: other for Familial colorectal cancer. Review status: no assertion criteria provided. Collection method: not provided. Allele origin: unknown.
ClinVar note: Converted during submission from cancer to other.

NM_000038.6(APC):c.645+5220G>T

Gene: APC (APC regulator of WNT signaling pathway; plus strand). Cytogenetic location: 5q22.2.
Variant type: single nucleotide variant.
Coding change: c.645+5220G>T on transcript NM_000038.6 (MANE Select); 5220 bases into the intron after coding-DNA position 645, G replaced by T.
Molecular consequence: intron variant.
Genome position (GRCh38, 1-based): chr5:112,786,123, G>T. VCF-style: chr5-112786123-G-T. GRCh37 (hg19) VCF-style: chr5-112121820-G-T.
Other names: c.645+5220G>T (NM_001354895.2, NM_001127510.3, NM_001354896.2 and 2 more transcripts); c.675+5220G>T (NM_001354897.2, NM_001354902.2, NM_001127511.3); c.570+5220G>T (NM_001354898.2, NM_001354904.2); c.-391+5220G>T (NM_001354906.2); c.468+5220G>T (NM_001354900.2, NM_001354901.2, NM_001354905.2).
Identifiers: ClinVar variation 82457 (VCV000082457.2), dbSNP rs75919833, ClinGen allele CA011563.
Genomic context (GRCh38, chr5:112,786,123, plus strand): 5'-TGAATAAGAAAAAGACAACCCTGTGTTTTTGTTTTGTTCAGAGAGGGGGTTTTGCTGGTT[G>T]CCCAGGCTGTAGTGCAGTGGCCATTCACAGGAGCAATCATAATACACTACAGCCTCAAAC-3'